The following is an entry in ClinVar:

ClinVar aggregate classification (germline): Benign. Review status: criteria provided, multiple submitters, no conflicts (2 of 4 stars). 14 submissions from 10 submitters: Benign (13). 1 of the submissions does not count toward it. Last evaluated 2026-02-04.

Conditions:
Usher syndrome type 1 (USH1). Also called: RETINITIS PIGMENTOSA AND CONGENITAL DEAFNESS. Identifiers: Orphanet 231169, Orphanet 886, MedGen C1568247, MONDO:0010168, OMIM 276900.
Usher syndrome type 1B (USH1B). Also called: Usher syndrome type IB. Identifiers: MedGen C1848638, MONDO:0700087.
Autosomal recessive nonsyndromic hearing loss 2. Also called: DEAFNESS, AUTOSOMAL RECESSIVE 2; NEUROSENSORY NONSYNDROMIC RECESSIVE DEAFNESS 2. Identifiers: Orphanet 90636, MedGen C1838701, MONDO:0010807, OMIM 600060.
Autosomal dominant nonsyndromic hearing loss 11. Identifiers: Orphanet 90635, MedGen C1832475, MONDO:0011032, OMIM 601317.

Allele frequency attached by ClinVar (database versions not stated): gnomAD exomes 0.18780 and 0.17732; 1000 Genomes Project 0.19569; ExAC 0.18056; 1000 Genomes Project 30x 0.19816; TOPMed 0.23419; gnomAD 0.23980 and 0.24897; ESP Exome Variant Server 0.24683.
gnomAD v4.1: 310,677 of 1,613,528 alleles (19%); highest among the groups gnomAD compares: African/African-American, 38%; 32,894 homozygotes.

Submissions (14):

Labcorp Genetics (formerly Invitae), Labcorp
Classification: Benign. Last evaluated: 2026-02-04. Review status: criteria provided, single submitter. Criteria: Invitae Variant Classification Sherloc (09022015). Collection method: clinical testing. Allele origin: germline.

Women's Health and Genetics/Laboratory Corporation of America, LabCorp
Classification: Benign. Last evaluated: 2025-05-22. Review status: criteria provided, single submitter. Criteria: LabCorp Variant Classification Summary - May 2015. Collection method: clinical testing. Allele origin: germline.

ARUP Laboratories, Molecular Genetics and Genomics, ARUP Laboratories
Classification: Benign. Last evaluated: 2023-11-29. Review status: criteria provided, single submitter. Criteria: ARUP Molecular Germline Variant Investigation Process 2024. Collection method: clinical testing. Allele origin: germline.

Genome-Nilou Lab
Classification: Benign for Autosomal dominant nonsyndromic hearing loss 11. Last evaluated: 2021-07-01. Review status: criteria provided, single submitter. Criteria: ACMG Guidelines, 2015. Collection method: clinical testing. Allele origin: germline. Affected: no.

Genome-Nilou Lab
Classification: Benign for Autosomal recessive nonsyndromic hearing loss 2. Last evaluated: 2021-07-01. Review status: criteria provided, single submitter. Criteria: ACMG Guidelines, 2015. Collection method: clinical testing. Allele origin: germline. Affected: no.

Genome-Nilou Lab
Classification: Benign for Usher syndrome type 1. Last evaluated: 2021-07-01. Review status: criteria provided, single submitter. Criteria: ACMG Guidelines, 2015. Collection method: clinical testing. Allele origin: germline. Affected: no.

Mayo Clinic Laboratories, Mayo Clinic
Classification: Benign. Last evaluated: 2020-10-20. Review status: criteria provided, single submitter. Criteria: ACMG Guidelines, 2015. Collection method: clinical testing. Allele origin: germline. Observed: 49 variant alleles.

Illumina Laboratory Services, Illumina
Classification: Benign for Autosomal recessive nonsyndromic hearing loss 2. Last evaluated: 2018-01-13. Review status: criteria provided, single submitter. Criteria: ICSL Variant Classification Criteria 13 December 2019. Collection method: clinical testing. Allele origin: germline.
Comment: This variant was observed in the ICSL laboratory as part of a predisposition screen in an ostensibly healthy population. It had not been previously curated by ICSL or reported in the Human Gene Mutation Database (HGMD: prior to June 1st, 2018), and was therefore a candidate for classification through an automated scoring system. Utilizing variant allele frequency, disease prevalence and penetrance estimates, and inheritance mode, an automated score was calculated to assess if this variant is too frequent to cause the disease. Based on the score and internal cut-off values, a variant classified as benign is not then subjected to further curation. The score for this variant resulted in a classification of benign for this disease.

Illumina Laboratory Services, Illumina
Classification: Benign for Usher syndrome type 1. Last evaluated: 2018-01-13. Review status: criteria provided, single submitter. Criteria: ICSL Variant Classification Criteria 13 December 2019. Collection method: clinical testing. Allele origin: germline.
Comment: the same text as in the submission from Illumina Laboratory Services, Illumina above.

Illumina Laboratory Services, Illumina
Classification: Benign for Autosomal dominant nonsyndromic hearing loss 11. Last evaluated: 2018-01-13. Review status: criteria provided, single submitter. Criteria: ICSL Variant Classification Criteria 13 December 2019. Collection method: clinical testing. Allele origin: germline.
Comment: the same text as in the submission from Illumina Laboratory Services, Illumina above.

GeneDx
Classification: Benign. Last evaluated: 2015-03-03. Review status: criteria provided, single submitter. Criteria: GeneDx Variant Classification Process June 2021. Collection method: clinical testing. Allele origin: germline. Affected: yes.

Laboratory for Molecular Medicine, Mass General Brigham Personalized Medicine
Classification: Benign. Last evaluated: 2007-03-08. Review status: criteria provided, single submitter. Criteria: LMM Criteria. Collection method: clinical testing. Allele origin: germline. Observed: 767 variant alleles.

Breakthrough Genomics
Classification: Benign. Review status: criteria provided, single submitter. Criteria: ACMG Guidelines, 2015. Collection method: not provided. Allele origin: germline. Inheritance: Autosomal recessive inheritance. Affected: yes.

Natera, Inc.
Classification: Benign for Usher syndrome type 1B. Last evaluated: 2020-09-16. Review status: no assertion criteria provided. Collection method: clinical testing. Allele origin: germline. Not counted in ClinVar's aggregate classification.

NM_000260.4(MYO7A):c.6318G>A (p.Lys2106=)

Gene: MYO7A (myosin VIIA; plus strand). Cytogenetic location: 11q13.5.
Variant type: single nucleotide variant.
Coding change: c.6318G>A on transcript NM_000260.4 (MANE Select); coding-DNA position 6318, G replaced by A.
Protein change: p.Lys2106=; no amino-acid change (lysine 2106 retained).
Molecular consequence: synonymous variant.
Genome position (GRCh38, 1-based): chr11:77,211,901, G>A. VCF-style: chr11-77211901-G-A. GRCh37 (hg19) VCF-style: chr11-76922946-G-A.
Other names: p.Lys2106=; c.6204G>A, p.Lys2068= (NM_001127180.2); c.6171G>A, p.Lys2057= (NM_001369365.1).
Identifiers: ClinVar variation 43324 (VCV000043324.39), dbSNP rs11237123, ClinGen allele CA132430.
Genomic context (GRCh38, chr11:77,211,901, plus strand): 5'-CAAGCACGCAGGGAAGTCCAAGGAGGAGGCCAAGCTGGCCTTCCTGAAGCTCATCTTCAA[G>A]TGGCCCACCTTTGGCTCAGCCTTCTTCGAGGTGAAGGTACACCATGGGCTTCTCAGAGCA-3'
Protein context (NP_000251.3, residues 2096-2116): AKLAFLKLIF[Lys2106=]WPTFGSAFFE